The following is an entry in ClinVar:

NM_001347721.2(DYRK1A):c.1519+14C>A

Gene: DYRK1A (dual specificity tyrosine phosphorylation regulated kinase 1A; plus strand). Cytogenetic location: 21q22.13.
Variant type: single nucleotide variant.
Coding change: c.1519+14C>A on transcript NM_001347721.2 (MANE Select); 14 bases into the intron after coding-DNA position 1519, C replaced by A.
Molecular consequence: intron variant.
Genome position (GRCh38, 1-based): chr21:37,505,603, C>A. VCF-style: chr21-37505603-C-A. GRCh37 (hg19) VCF-style: chr21-38877906-C-A.
Other names: c.1546+14C>A (NM_001396.5, NM_101395.2, NM_130438.2); c.1519+14C>A (NM_001347722.2, NM_130436.2); c.1432+14C>A (NM_001347723.2).
Identifiers: ClinVar variation 2063571 (VCV002063571.4), dbSNP rs764853483, ClinGen allele CA10023987.

ClinVar aggregate classification (germline): Uncertain significance (1 of 4 stars; one submission).

Conditions:
DYRK1A-related intellectual disability syndrome (MRD7). Also called: DYRK1A Syndrome; Intellectual developmental disorder, autosomal dominant 7. Identifiers: Orphanet 464306, MedGen C5568143, MONDO:0013578, OMIM 614104.

gnomAD v4.1: 7 of 1,572,342 alleles (0.00045%); highest among the groups gnomAD compares: South Asian, 0.008%; no homozygotes.

Submission:

Labcorp Genetics (formerly Invitae), Labcorp
Classification: Uncertain significance for DYRK1A-related intellectual disability syndrome. Last evaluated: 2024-10-16. Review status: criteria provided, single submitter. Criteria: Invitae Variant Classification Sherloc (09022015). Collection method: clinical testing. Allele origin: germline.
Comment: This sequence change falls in intron 9 of the DYRK1A gene. It does not directly change the encoded amino acid sequence of the DYRK1A protein. This variant is present in population databases (rs764853483, gnomAD 0.007%). This variant has not been reported in the literature in individuals affected with DYRK1A-related conditions. ClinVar contains an entry for this variant (Variation ID: 2063571). Algorithms developed to predict the effect of sequence changes on RNA splicing suggest that this variant may create or strengthen a splice site. In summary, the available evidence is currently insufficient to determine the role of this variant in disease. Therefore, it has been classified as a Variant of Uncertain Significance.